The following is an entry in ClinVar:

NM_002860.4(ALDH18A1):c.781C>G (p.Leu261Val)

Gene: ALDH18A1 (aldehyde dehydrogenase 18 family member A1; minus strand). Cytogenetic location: 10q24.1.
Variant type: single nucleotide variant.
Coding change: c.781C>G on transcript NM_002860.4 (MANE Select); coding-DNA position 781, C replaced by G.
Protein change: p.Leu261Val; replaces leucine 261 with valine.
Molecular consequence: missense variant.
Genome position (GRCh38, 1-based): chr10:95,632,986, G>C on the plus strand (C>G on the coding strand, the complement: ALDH18A1 is on the minus strand). VCF-style: chr10-95632986-G-C. GRCh37 (hg19) VCF-style: chr10-97392743-G-C.
Other names: c.775C>G, p.Leu259Val (NM_001017423.2, NM_001323415.2); c.448C>G, p.Leu150Val (NM_001323412.2, NM_001323416.2); c.781C>G, p.Leu261Val (NM_001323413.2, NM_001323414.2); c.676C>G, p.Leu226Val (NM_001323417.2); c.442C>G, p.Leu148Val (NM_001323418.2); c.145C>G, p.Leu49Val (NM_001323419.2); short protein forms L49V, L226V, L259V, L261V, L148V, L150V.
Identifiers: ClinVar variation 2940578 (VCV002940578.3), dbSNP rs200172733, ClinGen allele CA377704938.

ClinVar aggregate classification (germline): Uncertain significance (1 of 4 stars; one submission).

Conditions:
Autosomal dominant spastic paraplegia type 9. Identifiers: MedGen C1832669, MONDO:0015091.
de Barsy syndrome. Also called: Cutis laxa-corneal clouding-oligophrenia syndrome. Identifiers: Orphanet 2962, MedGen C0268354, MONDO:0017569.
Cutis laxa, autosomal dominant 3 (ADCL3). Identifiers: Orphanet 90348, MedGen C4225268, MONDO:0014706, OMIM 616603.

Submission:

Labcorp Genetics (formerly Invitae), Labcorp
Classification: Uncertain significance for Autosomal dominant spastic paraplegia type 9; de Barsy syndrome; Cutis laxa, autosomal dominant 3. Last evaluated: 2025-03-17. Review status: criteria provided, single submitter. Criteria: Invitae Variant Classification Sherloc (09022015). Collection method: clinical testing. Allele origin: germline.
Comment: This sequence change replaces leucine, which is neutral and non-polar, with valine, which is neutral and non-polar, at codon 261 of the ALDH18A1 protein (p.Leu261Val). This variant is not present in population databases (gnomAD no frequency). This variant has not been reported in the literature in individuals affected with ALDH18A1-related conditions. ClinVar contains an entry for this variant (Variation ID: 2940578). Invitae Evidence Modeling of protein sequence and biophysical properties (such as structural, functional, and spatial information, amino acid conservation, physicochemical variation, residue mobility, and thermodynamic stability) has been performed for this missense variant. However, the output from this modeling did not meet the statistical confidence thresholds required to predict the impact of this variant on ALDH18A1 protein function. In summary, the available evidence is currently insufficient to determine the role of this variant in disease. Therefore, it has been classified as a Variant of Uncertain Significance.